The following is an entry in ClinVar:

NM_001690.4(ATP6V1A):c.1226+1G>A

Gene: ATP6V1A (ATPase H+ transporting V1 subunit A; plus strand). Cytogenetic location: 3q13.31.
Variant type: single nucleotide variant.
Coding change: c.1226+1G>A on transcript NM_001690.4 (MANE Select); the canonical splice donor site of the intron after coding-DNA position 1226, G replaced by A.
Molecular consequence: splice donor variant.
Genome position (GRCh38, 1-based): chr3:113,795,205, G>A. VCF-style: chr3-113795205-G-A. GRCh37 (hg19) VCF-style: chr3-113514052-G-A.
Identifiers: ClinVar variation 4768493 (VCV004768493.2).
Genomic context (GRCh38, chr3:113,795,205, plus strand): 5'-AGGCAGGGTGAAATGTCTTGGAAATCCTGAAAGAGAAGGGAGTGTCAGCATTGTAGGAGC[G>A]TAAGCACCCACACTATTTACTTTGCAAAAGGAAAAAAGTCACAGATGTATTAAAGAGAGA-3'

ClinVar aggregate classification (germline): Uncertain significance. Review status: criteria provided, multiple submitters, no conflicts (2 of 4 stars). 2 submissions from 2 submitters: Uncertain significance (2). Last evaluated 2025-06-02.

gnomAD v4.1: 5 of 1,613,410 alleles (0.00031%); highest among the groups gnomAD compares: South Asian, 0.0011%; no homozygotes.

Submissions (2):

Labcorp Genetics (formerly Invitae), Labcorp
Classification: Uncertain significance. Last evaluated: 2025-06-02. Review status: criteria provided, single submitter. Criteria: Invitae Variant Classification Sherloc (09022015). Collection method: clinical testing. Allele origin: germline.
Comment: This sequence change affects a donor splice site in intron 10 of the ATP6V1A gene. It is expected to disrupt RNA splicing. Variants that disrupt the donor or acceptor splice site typically lead to a loss of protein function (PMID: 16199547), however the current clinical and genetic evidence is not sufficient to establish whether loss-of-function variants in ATP6V1A cause disease. This variant is not present in population databases (gnomAD no frequency). This variant has not been reported in the literature in individuals affected with ATP6V1A-related conditions. Algorithms developed to predict the effect of sequence changes on RNA splicing suggest that this variant may disrupt the consensus splice site. In summary, the available evidence is currently insufficient to determine the role of this variant in disease. Therefore, it has been classified as a Variant of Uncertain Significance.

Blueprint Genetics
Classification: Uncertain significance. Last evaluated: 2020-11-06. Review status: criteria provided, single submitter. Criteria: ACMG Guidelines, 2015. Collection method: clinical testing. Allele origin: germline.

Literature cited by the submitters: PubMed 16199547 (cited by Labcorp Genetics (formerly Invitae), Labcorp).